The following is an entry in ClinVar:

NM_015331.3(NCSTN):c.1456-3C>T

Gene: NCSTN (nicastrin; plus strand). Cytogenetic location: 1q23.2.
Variant type: single nucleotide variant.
Coding change: c.1456-3C>T on transcript NM_015331.3 (MANE Select); 3 bases into the intron before coding-DNA position 1456, C replaced by T.
Molecular consequence: intron variant.
Genome position (GRCh38, 1-based): chr1:160,355,860, C>T. VCF-style: chr1-160355860-C-T. GRCh37 (hg19) VCF-style: chr1-160325650-C-T.
Other names: c.1396-3C>T (NM_001290184.2); c.1456-3C>T (NM_001349729.2); c.1042-3C>T (NM_001290186.2).
Identifiers: ClinVar variation 2048638 (VCV002048638.4), dbSNP rs2525547152, ClinGen allele CA2580061290.

ClinVar aggregate classification (germline): Uncertain significance (1 of 4 stars; one submission).

Submission:

Labcorp Genetics (formerly Invitae), Labcorp
Classification: Uncertain significance. Last evaluated: 2021-12-19. Review status: criteria provided, single submitter. Criteria: Invitae Variant Classification Sherloc (09022015). Collection method: clinical testing. Allele origin: germline.
Comment: In summary, the available evidence is currently insufficient to determine the role of this variant in disease. Therefore, it has been classified as a Variant of Uncertain Significance. Variants that disrupt the consensus splice site are a relatively common cause of aberrant splicing (PMID: 17576681, 9536098). Algorithms developed to predict the effect of sequence changes on RNA splicing suggest that this variant is not likely to affect RNA splicing. This variant has not been reported in the literature in individuals affected with NCSTN-related conditions. This variant is not present in population databases (gnomAD no frequency). This sequence change falls in intron 12 of the NCSTN gene. It does not directly change the encoded amino acid sequence of the NCSTN protein. It affects a nucleotide within the consensus splice site.

Literature cited by the submitters: PubMed 17576681; PubMed 9536098.